The following is an entry in ClinVar:

ClinVar aggregate classification (germline): Pathogenic. Review status: criteria provided, multiple submitters, no conflicts (2 of 4 stars). 2 submissions from 2 submitters: Pathogenic (2). Last evaluated 2024-02-23.

Conditions:
Developmental and epileptic encephalopathy, 9 (DEE9). Also called: PCDH19-Related X-Linked Female-Limited Epilepsy with Mental Retardation; Early infantile epileptic encephalopathy 9; EPILEPSY, FEMALE-RESTRICTED, WITH MENTAL RETARDATION; JUBERG-HELLMAN SYNDROME. Identifiers: Orphanet 101039, Orphanet 2076, MedGen C1848137, MONDO:0010246, OMIM 300088. Disease mechanism: loss of function.

Submissions (2):

Labcorp Genetics (formerly Invitae), Labcorp
Classification: Pathogenic for Developmental and epileptic encephalopathy, 9. Last evaluated: 2024-02-23. Review status: criteria provided, single submitter. Criteria: Invitae Variant Classification Sherloc (09022015). Collection method: clinical testing. Allele origin: germline.
Comment: This sequence change replaces proline, which is neutral and non-polar, with serine, which is neutral and polar, at codon 561 of the PCDH19 protein (p.Pro561Ser). This variant is not present in population databases (gnomAD no frequency). This missense change has been observed in individual(s) with epileptic encephalopathy (PMID: 23708187, 30287595). In at least one individual the variant was observed to be de novo. ClinVar contains an entry for this variant (Variation ID: 1071427). Advanced modeling of protein sequence and biophysical properties (such as structural, functional, and spatial information, amino acid conservation, physicochemical variation, residue mobility, and thermodynamic stability) performed at Invitae indicates that this missense variant is expected to disrupt PCDH19 protein function with a positive predictive value of 95%. This variant disrupts the p.Pro561 amino acid residue in PCDH19. Other variant(s) that disrupt this residue have been observed in individuals with PCDH19-related conditions (PMID: 21053371, 28669061), which suggests that this may be a clinically significant amino acid residue. For these reasons, this variant has been classified as Pathogenic.

Rady Children's Institute for Genomic Medicine, Rady Children's Hospital San Diego
Classification: Pathogenic for EPILEPTIC ENCEPHALOPATHY, EARLY INFANTILE, 9. Last evaluated: 2020-07-23. Review status: criteria provided, single submitter. Criteria: ACMG Guidelines, 2015. Collection method: clinical testing. Allele origin: germline. Affected: yes.
Comment: This variant has been previously reported as a de novo heterozygous change in three individuals with epileptic encephalopathy characterized by tonic seizures or generalized tonic clonic seizures (PMID: 23708187, 29866057, 30287595). Two different variants affecting the same amino acid residue as this variant, c.1682C>G (p.Pro561Arg) and c.1681C>G (p.Pro561Ala), have been reported in the ClinVar database (Variation ID: 206337 and 624433, respectively). It is absent from the gnomAD population database and thus is presumed to be rare. The c.1681C>T (p.Pro561Ser) variant affects a highly conserved amino acid and is predicted by multiple in silico tools to have a deleterious effect on protein function. Based on the available evidence, the c.1681C>T (p.Pro561Ser) variant is classified as Pathogenic.

Literature cited by the submitters: PubMed 23708187 (cited by Labcorp Genetics (formerly Invitae), Labcorp); PubMed 30287595 (cited by Labcorp Genetics (formerly Invitae), Labcorp); PubMed 21053371 (cited by Labcorp Genetics (formerly Invitae), Labcorp); PubMed 28669061 (cited by Labcorp Genetics (formerly Invitae), Labcorp).

NM_001184880.2(PCDH19):c.1681C>T (p.Pro561Ser)

Gene: PCDH19 (protocadherin 19; minus strand). Cytogenetic location: Xq22.1.
Variant type: single nucleotide variant.
Coding change: c.1681C>T on transcript NM_001184880.2 (MANE Select); coding-DNA position 1681, C replaced by T.
Protein change: p.Pro561Ser; replaces proline 561 with serine.
Molecular consequence: missense variant.
Genome position (GRCh38, 1-based): chrX:100,406,917, G>A on the plus strand (C>T on the coding strand, the complement: PCDH19 is on the minus strand). VCF-style: chrX-100406917-G-A. GRCh37 (hg19) VCF-style: chrX-99661915-G-A.
Other names: c.1681C>T, p.Pro561Ser (NM_001105243.2, NM_020766.3); short protein forms P561S.
Identifiers: ClinVar variation 1071427 (VCV001071427.10), dbSNP rs1569314471, ClinGen allele CA414002195.